The following is an entry in ClinVar:

ClinVar aggregate classification (germline): Likely pathogenic (1 of 4 stars; one submission).

Conditions:
Autosomal recessive nonsyndromic hearing loss 3. Also called: NEUROSENSORY NONSYNDROMIC RECESSIVE DEAFNESS 3. Identifiers: Orphanet 90636, MedGen C1838263, MONDO:0010860, OMIM 600316.

Submission:

Institute of Rare Diseases, West China Hospital, Sichuan University
Classification: Likely pathogenic for Autosomal recessive nonsyndromic hearing loss 3. Last evaluated: 2025-01-09. Review status: criteria provided, single submitter. Criteria: ClinGen HL ACMG Specifications v1. Collection method: research. Allele origin: germline. Affected: yes.
Comment: PM3_Strong;PM2_Supporting;PP3

NM_016239.4(MYO15A):c.6278T>C (p.Leu2093Pro)

Gene: MYO15A (myosin XVA; plus strand). Cytogenetic location: 17p11.2.
Variant type: single nucleotide variant.
Coding change: c.6278T>C on transcript NM_016239.4 (MANE Select); coding-DNA position 6278, T replaced by C.
Protein change: p.Leu2093Pro; replaces leucine 2093 with proline.
Molecular consequence: missense variant.
Genome position (GRCh38, 1-based): chr17:18,145,876, T>C. VCF-style: chr17-18145876-T-C. GRCh37 (hg19) VCF-style: chr17-18049190-T-C.
Other names: short protein forms L2093P.
Identifiers: ClinVar variation 3601368 (VCV003601368.1).